The following is an entry in ClinVar:

NM_015450.3(POT1):c.113G>A (p.Ser38Asn)

Gene: POT1 (protection of telomeres 1; minus strand). Cytogenetic location: 7q31.33.
Variant type: single nucleotide variant.
Coding change: c.113G>A on transcript NM_015450.3 (MANE Select); coding-DNA position 113, G replaced by A.
Protein change: p.Ser38Asn; replaces serine 38 with asparagine.
Molecular consequence: missense variant. On other transcripts: 5 prime UTR variant (1), non-coding transcript variant (3).
Genome position (GRCh38, 1-based): chr7:124,892,277, C>T on the plus strand (G>A on the coding strand, the complement: POT1 is on the minus strand). VCF-style: chr7-124892277-C-T. GRCh37 (hg19) VCF-style: chr7-124532331-C-T.
Other names: c.-150G>A (NM_001042594.2); short protein forms S38N.
Identifiers: ClinVar variation 861419 (VCV000861419.12), dbSNP rs1796390486, ClinGen allele CA369065977.

ClinVar aggregate classification (germline): Uncertain significance. Review status: criteria provided, multiple submitters, no conflicts (2 of 4 stars). 2 submissions from 2 submitters: Uncertain significance (2). Last evaluated 2025-03-23.

Conditions:
Tumor predisposition syndrome 3 (TPDS3). Also called: Melanoma, cutaneous malignant, susceptibility to, 10; Glioma susceptibility 9; LONG TELOMERE SYNDROME, POT1-RELATED; POT1 Tumor Predisposition. Identifiers: Orphanet 618, MedGen C4014476, MONDO:0014368, OMIM 615848.
Hereditary cancer-predisposing syndrome. Also called: Neoplastic Syndromes, Hereditary; Hereditary neoplastic syndrome; Tumor predisposition; Hereditary Cancer Syndrome. Identifiers: Orphanet 140162, MedGen C0027672, MeSH D009386, MONDO:0015356.

Allele frequency attached by ClinVar (database versions not stated): gnomAD exomes below 0.00001.
gnomAD v4.1: 2 of 1,530,116 alleles (0.00013%); highest among the groups gnomAD compares: Non-Finnish European, 0.00017%; no homozygotes.

Submissions (2):

Labcorp Genetics (formerly Invitae), Labcorp
Classification: Uncertain significance for Tumor predisposition syndrome 3. Last evaluated: 2025-03-23. Review status: criteria provided, single submitter. Criteria: Invitae Variant Classification Sherloc (09022015). Collection method: clinical testing. Allele origin: germline.
Comment: This sequence change replaces serine, which is neutral and polar, with asparagine, which is neutral and polar, at codon 38 of the POT1 protein (p.Ser38Asn). This variant is not present in population databases (gnomAD no frequency). This variant has not been reported in the literature in individuals affected with POT1-related conditions. ClinVar contains an entry for this variant (Variation ID: 861419). Invitae Evidence Modeling of protein sequence and biophysical properties (such as structural, functional, and spatial information, amino acid conservation, physicochemical variation, residue mobility, and thermodynamic stability) indicates that this missense variant is not expected to disrupt POT1 protein function with a negative predictive value of 80%. In summary, the available evidence is currently insufficient to determine the role of this variant in disease. Therefore, it has been classified as a Variant of Uncertain Significance.

Ambry Genetics
Classification: Uncertain significance for Hereditary cancer-predisposing syndrome. Last evaluated: 2024-03-14. Review status: criteria provided, single submitter. Criteria: Ambry Variant Classification Scheme 2023. Collection method: clinical testing. Allele origin: germline.
Comment: The p.S38N variant (also known as c.113G>A), located in coding exon 2 of the POT1 gene, results from a G to A substitution at nucleotide position 113. The serine at codon 38 is replaced by asparagine, an amino acid with highly similar properties. This amino acid position is highly conserved in available vertebrate species. In addition, this alteration is predicted to be tolerated by in silico analysis. Based on the available evidence, the clinical significance of this alteration remains unclear.